The following is an entry in ClinVar:

NM_000257.4(MYH7):c.811T>G (p.Ser271Ala)

Gene: MYH7 (myosin heavy chain 7; minus strand). Cytogenetic location: 14q11.2.
Variant type: single nucleotide variant.
Coding change: c.811T>G on transcript NM_000257.4 (MANE Select); coding-DNA position 811, T replaced by G.
Protein change: p.Ser271Ala; replaces serine 271 with alanine.
Molecular consequence: missense variant.
Genome position (GRCh38, 1-based): chr14:23,430,985, A>C on the plus strand (T>G on the coding strand, the complement: MYH7 is on the minus strand). VCF-style: chr14-23430985-A-C. GRCh37 (hg19) VCF-style: chr14-23900194-A-C.
Other names: c.811T>G, p.Ser271Ala (NM_001407004.1); short protein forms S271A.
Identifiers: ClinVar variation 4114881 (VCV004114881.1).

ClinVar aggregate classification (germline): Uncertain significance (1 of 4 stars; one submission).

Conditions:
Cardiovascular phenotype. Identifiers: MedGen CN230736.

Submission:

Ambry Genetics
Classification: Uncertain significance for Cardiovascular phenotype. Last evaluated: 2025-07-22. Review status: criteria provided, single submitter. Criteria: Ambry Variant Classification Scheme 2023. Collection method: clinical testing. Allele origin: germline.
Comment: The p.S271A variant (also known as c.811T>G), located in coding exon 8 of the MYH7 gene, results from a T to G substitution at nucleotide position 811. The serine at codon 271 is replaced by alanine, an amino acid with similar properties. This amino acid position is highly conserved in available vertebrate species. In addition, the in silico prediction for this alteration is inconclusive. Based on the available evidence, the clinical significance of this variant remains unclear.